The following is an entry in ClinVar:

NM_001163435.3(TBCK):c.358C>T (p.His120Tyr)

Gene: TBCK (TBC1 domain containing kinase; minus strand). Cytogenetic location: 4q24.
Variant type: single nucleotide variant.
Coding change: c.358C>T on transcript NM_001163435.3 (MANE Select); coding-DNA position 358, C replaced by T.
Protein change: p.His120Tyr; replaces histidine 120 with tyrosine.
Molecular consequence: missense variant. On other transcripts: 5 prime UTR variant (1), intron variant (1).
Genome position (GRCh38, 1-based): chr4:106,262,121, G>A on the plus strand (C>T on the coding strand, the complement: TBCK is on the minus strand). VCF-style: chr4-106262121-G-A. GRCh37 (hg19) VCF-style: chr4-107183278-G-A.
Other names: c.358C>T, p.His120Tyr (NM_001163436.4, NM_001163437.3); c.-260C>T (NM_001290768.2); c.267-10114C>T (NM_033115.5); short protein forms H120Y.
Identifiers: ClinVar variation 1482535 (VCV001482535.3), dbSNP rs2150100771, ClinGen allele CA357970327.

ClinVar aggregate classification (germline): Uncertain significance (1 of 4 stars; one submission).

Submission:

Labcorp Genetics (formerly Invitae), Labcorp
Classification: Uncertain significance. Last evaluated: 2022-07-26. Review status: criteria provided, single submitter. Criteria: Invitae Variant Classification Sherloc (09022015). Collection method: clinical testing. Allele origin: germline.
Comment: This sequence change replaces histidine, which is basic and polar, with tyrosine, which is neutral and polar, at codon 120 of the TBCK protein (p.His120Tyr). This variant is not present in population databases (gnomAD no frequency). This variant has not been reported in the literature in individuals affected with TBCK-related conditions. ClinVar contains an entry for this variant (Variation ID: 1482535). Algorithms developed to predict the effect of missense changes on protein structure and function (SIFT, PolyPhen-2, Align-GVGD) all suggest that this variant is likely to be tolerated. In summary, the available evidence is currently insufficient to determine the role of this variant in disease. Therefore, it has been classified as a Variant of Uncertain Significance.